The following is an entry in ClinVar:

ClinVar aggregate classification (germline): Uncertain significance (1 of 4 stars; one submission).

Conditions:
Bloom syndrome (BLM). Also called: Bloom-Torre-Machacek syndrome. Identifiers: Orphanet 125, MedGen C0005859, MONDO:0008876, OMIM 210900.

Submission:

Labcorp Genetics (formerly Invitae), Labcorp
Classification: Uncertain significance for Bloom syndrome. Last evaluated: 2024-06-10. Review status: criteria provided, single submitter. Criteria: Invitae Variant Classification Sherloc (09022015). Collection method: clinical testing. Allele origin: germline.
Comment: This sequence change replaces aspartic acid, which is acidic and polar, with phenylalanine, which is neutral and non-polar, at codon 559 of the BLM protein (p.Asp559Phe). Information on the frequency of this variant in the gnomAD database is not available, as this variant may be reported differently in the database. This variant has not been reported in the literature in individuals affected with BLM-related conditions. ClinVar contains an entry for this variant (Variation ID: 1446443). An algorithm developed to predict the effect of missense changes on protein structure and function (PolyPhen-2) suggests that this variant is likely to be disruptive. In summary, the available evidence is currently insufficient to determine the role of this variant in disease. Therefore, it has been classified as a Variant of Uncertain Significance.

NM_000057.4(BLM):c.1675_1676delinsTT (p.Asp559Phe)

Gene: BLM (BLM RecQ like helicase; plus strand). Cytogenetic location: 15q26.1.
Variant type: Indel.
Coding change: c.1675_1676delinsTT on transcript NM_000057.4 (MANE Select); coding-DNA positions 1675 to 1676, GA replaced by TT.
Protein change: p.Asp559Phe; replaces aspartic acid 559 with phenylalanine.
Molecular consequence: missense variant.
Genome position (GRCh38, 1-based): chr15:90,761,048-90,761,049, GA replaced by TT. VCF-style: chr15-90761048-GA-TT. GRCh37 (hg19) VCF-style: chr15-91304278-GA-TT.
Other names: c.1675_1676delinsTT, p.Asp559Phe (NM_001287246.2, NM_001287247.2); c.550_551delinsTT, p.Asp184Phe (NM_001287248.2); short protein forms D184F, D559F.
Identifiers: ClinVar variation 1446443 (VCV001446443.7), dbSNP rs2151158719, ClinGen allele CA2573151478.